The following is an entry in ClinVar:

ClinVar aggregate classification (germline): Uncertain significance (1 of 4 stars; one submission).

Conditions:
Fanconi anemia (FA). Also called: Fanconi's anemia. Identifiers: Orphanet 84, MedGen C0015625, MeSH D005199, MONDO:0019391.

Allele frequency attached by ClinVar (database versions not stated): gnomAD exomes below 0.00001.
gnomAD v4.1: 1 of 1,614,096 alleles (0.000062%); highest among the groups gnomAD compares: Non-Finnish European, 0.000085%; no homozygotes.

Submission:

Labcorp Genetics (formerly Invitae), Labcorp
Classification: Uncertain significance for Fanconi anemia. Last evaluated: 2019-09-14. Review status: criteria provided, single submitter. Criteria: Invitae Variant Classification Sherloc (09022015). Collection method: clinical testing. Allele origin: germline.
Comment: In summary, the available evidence is currently insufficient to determine the role of this variant in disease. Therefore, it has been classified as a Variant of Uncertain Significance. Algorithms developed to predict the effect of missense changes on protein structure and function are either unavailable or do not agree on the potential impact of this missense change (SIFT: "Deleterious"; PolyPhen-2: "Probably Damaging"; Align-GVGD: "Class C15"). This variant has not been reported in the literature in individuals with FANCI-related conditions. This variant is not present in population databases (ExAC no frequency). This sequence change replaces leucine with phenylalanine at codon 217 of the FANCI protein (p.Leu217Phe). The leucine residue is highly conserved and there is a small physicochemical difference between leucine and phenylalanine.

NM_001113378.2(FANCI):c.649C>T (p.Leu217Phe)

Gene: FANCI (FA complementation group I; plus strand). Cytogenetic location: 15q26.1.
Variant type: single nucleotide variant.
Coding change: c.649C>T on transcript NM_001113378.2 (MANE Select); coding-DNA position 649, C replaced by T.
Protein change: p.Leu217Phe; replaces leucine 217 with phenylalanine.
Molecular consequence: missense variant.
Genome position (GRCh38, 1-based): chr15:89,264,006, C>T. VCF-style: chr15-89264006-C-T. GRCh37 (hg19) VCF-style: chr15-89807237-C-T.
Other names: c.370C>T, p.Leu124Phe (NM_001376910.1); c.649C>T, p.Leu217Phe (NM_001376911.1, NM_018193.3); short protein forms L217F, L124F.
Identifiers: ClinVar variation 963033 (VCV000963033.10), dbSNP rs2052830473, ClinGen allele CA393739206.